The following is an entry in ClinVar:

NM_138694.4(PKHD1):c.1690C>T (p.Arg564Ter)

Gene: PKHD1 (PKHD1 ciliary IPT domain containing fibrocystin/polyductin; minus strand). Cytogenetic location: 6p12.2.
Variant type: single nucleotide variant.
Coding change: c.1690C>T on transcript NM_138694.4 (MANE Select); coding-DNA position 1690, C replaced by T.
Protein change: p.Arg564Ter; replaces arginine 564 with a stop codon.
Molecular consequence: nonsense.
Genome position (GRCh38, 1-based): chr6:52,056,701, G>A on the plus strand (C>T on the coding strand, the complement: PKHD1 is on the minus strand). VCF-style: chr6-52056701-G-A. GRCh37 (hg19) VCF-style: chr6-51921499-G-A.
Other names: NM_138694.4(PKHD1):c.1690C>T; p.Arg564Ter; c.1690C>T, p.Arg564Ter (NM_170724.3); short protein forms R564*.
Identifiers: ClinVar variation 917672 (VCV000917672.23), dbSNP rs765251347, ClinGen allele CA3853485.

ClinVar aggregate classification (germline): Pathogenic. Review status: criteria provided, multiple submitters, no conflicts (2 of 4 stars). 9 submissions from 9 submitters: Pathogenic (8). 1 of the submissions does not count toward it. Last evaluated 2025-04-15.

Conditions:
PKHD1-related disorder. Also called: PKHD1-related condition.
Autosomal recessive polycystic kidney disease (ARPKD). Also called: AR polycystic kidney disease. Identifiers: Orphanet 731, Orphanet 8378, MedGen C0085548, MeSH D017044, MONDO:0009889.
Polycystic kidney disease 4 (PKD4). Also called: PKD3; POLYCYSTIC KIDNEY AND HEPATIC DISEASE 1; POLYCYSTIC KIDNEY DISEASE, INFANTILE, TYPE I; Autosomal Recessive Polycystic Kidney Disease – PKHD1; POLYCYSTIC KIDNEY DISEASE 4 WITH OR WITHOUT POLYCYSTIC LIVER DISEASE. Identifiers: MedGen C4540575, MONDO:0033004, OMIM 263200.

Allele frequency attached by ClinVar (database versions not stated): gnomAD exomes below 0.00001 and 0.00001; TOPMed below 0.00001; ExAC 0.00001; gnomAD 0.00001.
gnomAD v4.1: 14 of 1,610,012 alleles (0.00087%); highest among the groups gnomAD compares: East Asian, 0.0022%; no homozygotes.

Submissions (9):

Natera, Inc.
Classification: Pathogenic for Autosomal recessive polycystic kidney disease. Last evaluated: 2025-04-15. Review status: criteria provided, single submitter. Criteria: Natera Variant Classification Schema (03/2026). Collection method: clinical testing. Allele origin: germline.
Comment: The c.1690C>T variant in PKHD1 is a nonsense variant predicted to introduce a stop codon at amino acid 564. This variant is expected to result in nonsense mediated decay, truncation, or a dysfunctional protein product. This variant is rare in the general population with a frequency below the threshold expected for the associated phenotype(s). This variant has been observed in one or more individuals affected with the associated recessive disease, as either homozygous or compound heterozygous with a second variant (PMID: 19940839). Given the available evidence, this variant is classified as Pathogenic.

Labcorp Genetics (formerly Invitae), Labcorp
Classification: Pathogenic for Autosomal recessive polycystic kidney disease. Last evaluated: 2025-02-17. Review status: criteria provided, single submitter. Criteria: Invitae Variant Classification Sherloc (09022015). Collection method: clinical testing. Allele origin: germline.
Comment: This sequence change creates a premature translational stop signal (p.Arg564*) in the PKHD1 gene. It is expected to result in an absent or disrupted protein product. Loss-of-function variants in PKHD1 are known to be pathogenic (PMID: 19940839). This variant is present in population databases (rs765251347, gnomAD 0.0009%). This premature translational stop signal has been observed in individual(s) with autosomal recessive polycystic kidney disease (PMID: 19940839, 27491411). ClinVar contains an entry for this variant (Variation ID: 917672). Algorithms developed to predict the effect of sequence changes on RNA splicing suggest that this variant may disrupt the consensus splice site. For these reasons, this variant has been classified as Pathogenic.

Broad Center for Mendelian Genomics, Broad Institute of MIT and Harvard
Classification: Pathogenic for Autosomal recessive polycystic kidney disease. Last evaluated: 2023-05-02. Review status: criteria provided, single submitter. Criteria: ACMG Guidelines, 2015. Collection method: curation. Allele origin: germline. Inheritance: Autosomal recessive inheritance.
Comment: The p.Arg564Ter variant in PKHD1 has been previously reported in 6 unrelated individuals with autosomal recessive polycystic kidney disease (PMID: 19940839, PMID: 27491411, PMID: 30650191, PMID: 34536170) but has been identified in 0.002% (1/41400) of African/African American chromosomes by the by the Genome Aggregation Database (gnomAD; dbSNP ID: rs765251347). Although this variant has been seen in the general population in a heterozygous state, its frequency is low enough to be consistent with a recessive carrier frequency. Of these 6 previously reported unrelated individuals (PMID: 19940839, PMID: 27491411, PMID: 30650191, PMID: 34536170), four were compound heterozygotes who carried pathogenic or likely pathogenic variants in trans (PMID: 34536170, ClinVar Variation ID: 632491; PMID: 19940839, ClinVar Variation ID: 96387, 96444), which increases the likelihood that the p.Arg564Ter variant is pathogenic. This variant has also been reported in ClinVar (Variation ID: 917672) and has been interpreted as pathogenic by multiple submitters. This nonsense variant leads to a premature termination codon at position 564, which is predicted to lead to a truncated or absent protein. Loss of function of the PKHD1 gene is an established disease mechanism in autosomal recessive polycystic kidney disease. In summary, this variant meets criteria to be classified as pathogenic for autosomal recessive polycystic kidney disease. ACMG/AMP Criteria applied: PVS1, PM2_Supporting, PM3_VeryStrong (Richards 2015).

Laboratory of Medical Genetics, National & Kapodistrian University of Athens
Classification: Pathogenic for Polycystic kidney disease 4. Last evaluated: 2022-10-24. Review status: criteria provided, single submitter. Criteria: ACMG Guidelines, 2015. Collection method: clinical testing. Allele origin: germline. Affected: yes.
Comment: PVS1, PS4, PM2, PP5 - The variant has been reported in ClinVar as Pathogenic by other laboratories (Variation ID 917672). he p.Arg564Ter variant in PKHD1 has been previously reported in individuals with autosomal recessive polycystic kidney disease ( PMID: 34536170). Loss-of-function is a known mechanism of disease for this gene. Low frequency in gnomAD population databases.

Blueprint Genetics
Classification: Pathogenic for PKHD1-related disorders. Last evaluated: 2022-08-12. Review status: criteria provided, single submitter. Criteria: ACMG Guidelines, 2015. Collection method: clinical testing. Allele origin: germline. Affected: yes. Observed: 4 variant alleles.

Fulgent Genetics
Classification: Pathogenic for Polycystic kidney disease 4. Last evaluated: 2022-01-19. Review status: criteria provided, single submitter. Criteria: ACMG Guidelines, 2015. Collection method: clinical testing. Allele origin: unknown.

Victorian Clinical Genetics Services, Murdoch Childrens Research Institute
Classification: Pathogenic for Polycystic kidney disease 4. Last evaluated: 2021-05-06. Review status: criteria provided, single submitter. Criteria: ACMG Guidelines, 2015. Collection method: clinical testing. Allele origin: germline. Inheritance: Autosomal recessive inheritance.
Comment: Based on the classification scheme VCGS_Germline_v1.3.4, this variant is classified as pathogenic. Following criteria are met: 0102 - Loss of function is a known mechanism of disease in this gene and is associated with polycystic kidney disease 4, with or without hepatic disease (MIM#263200). (I) 0106 - This gene is associated with autosomal recessive disease. (I) 0201 - Variant is predicted to cause nonsense-mediated decay (NMD) and loss of protein (premature termination codon is located at least 54 nucleotides upstream of the final exon-exon junction). (SP) 0252 - This variant is homozygous. (I) 0304 - Variant is present in gnomAD <0.01 for a recessive condition (v2: 1 heterozygote, 0 homozygotes). (SP) 0701 - Other NMD-predicted variants comparable to the one identified in this case have very strong previous evidence for pathogenicity. There are at least 10 NMD-predicted variants that have been identified in affected individuals (ClinVar; PMID: 19940839). (SP) 0801 - This variant has strong previous evidence of pathogenicity in unrelated individuals. This variant has been shown to be compound heterozygous in at least 5 individuals with autosomal recessive polycystic kidney disease (ClinVar; PMIDs: 19940839, 27491411, 30650191). (SP) 0905 - No published segregation evidence has been identified for this variant. (I) 1007 - No published functional evidence has been identified for this variant. (I) 1209 - This variant has been shown to be both maternally and paternally inherited (biallelic). (I) Legend: (SP) - Supporting pathogenic, (I) - Information, (SB) - Supporting benign

Women's Health and Genetics/Laboratory Corporation of America, LabCorp
Classification: Pathogenic for Autosomal recessive polycystic kidney disease. Last evaluated: 2020-02-10. Review status: criteria provided, single submitter. Criteria: LabCorp Variant Classification Summary - May 2015. Collection method: clinical testing. Allele origin: germline.
Comment: Variant summary: PKHD1 c.1690C>T (p.Arg564X) results in a premature termination codon, predicted to cause a truncation of the encoded protein or absence of the protein due to nonsense mediated decay, which are commonly known mechanisms for disease. Truncations downstream of this position have been classified as pathogenic by our laboratory. The variant allele was found at a frequency of 4e-06 in 251068 control chromosomes (gnomAD). c.1690C>T has been reported in the literature in individuals affected with Polycystic Kidney and Hepatic Disease (e.g. Denamur_2010). These data indicate that the variant is likely to be associated with disease. To our knowledge, no experimental evidence demonstrating an impact on protein function has been reported. No clinical diagnostic laboratories have submitted clinical-significance assessments for this variant to ClinVar after 2014. Based on the evidence outlined above, the variant was classified as pathogenic.

PreventionGenetics, part of Exact Sciences
Classification: Pathogenic for PKHD1-related condition. Last evaluated: 2024-05-23. Review status: no assertion criteria provided. Collection method: clinical testing. Allele origin: germline. Not counted in ClinVar's aggregate classification.
Comment: The PKHD1 c.1690C>T variant is predicted to result in premature protein termination (p.Arg564*). This variant has been reported to be causative for autosomal recessive polycystic kidney disease (ARPKD) (Table S2, Denamur et al. 2010. PubMed ID: 19940839; Kang et al. 2016. PubMed ID: 27491411). This variant is reported in 0.00088% of alleles in individuals of European (non-Finnish) descent in gnomAD. This variant is interpreted as pathogenic.

Literature cited by the submitters: PubMed 19940839 (cited by 4 submitters); PubMed 27491411 (cited by 3 submitters); PubMed 30650191 (cited by Victorian Clinical Genetics Services, Murdoch Childrens Research Institute and Women's Health and Genetics/Laboratory Corporation of America, LabCorp).